The following is an entry in ClinVar:

ClinVar aggregate classification (germline): Uncertain significance (1 of 4 stars; one submission).

gnomAD v4.1: 2 of 1,614,182 alleles (0.00012%); highest among the groups gnomAD compares: Non-Finnish European, 0.00017%; no homozygotes.

Submission:

GeneDx
Classification: Uncertain significance. Last evaluated: 2025-05-01. Review status: criteria provided, single submitter. Criteria: GeneDx Variant Classification Process June 2021. Collection method: clinical testing. Allele origin: germline. Affected: yes.
Comment: Reported in a patient with macrocephaly, global developmental delay, autism, and suspected mild intellectual disability who inherited the variant from an asymptomatic parent (PMID: 35346573); Not observed at significant frequency in large population cohorts (gnomAD); In silico analysis suggests that this missense variant does not alter protein structure/function; Also known as p.(K1972T); This variant is associated with the following publications: (PMID: 35346573)

NM_001005273.3(CHD3):c.5915A>C (p.Lys1972Thr)

Gene: CHD3 (chromodomain helicase DNA binding protein 3; plus strand). Cytogenetic location: 17p13.1.
Variant type: single nucleotide variant.
Coding change: c.5915A>C on transcript NM_001005273.3 (MANE Select); coding-DNA position 5915, A replaced by C.
Protein change: p.Lys1972Thr; replaces lysine 1972 with threonine.
Molecular consequence: missense variant.
Genome position (GRCh38, 1-based): chr17:7,911,497, A>C. VCF-style: chr17-7911497-A-C. GRCh37 (hg19) VCF-style: chr17-7814815-A-C.
Other names: c.6138A>C, p.Glu2046Asp (NM_001437504.1); c.6080A>C, p.Lys2027Thr (NM_001437507.1); c.5978A>C, p.Lys1993Thr (NM_001437508.1); c.6083A>C, p.Lys2028Thr (NM_001437509.1); c.5813A>C, p.Lys1938Thr (NM_005852.4); c.6092A>C, p.Lys2031Thr (NM_001005271.3); short protein forms E2046D, K1938T, K1972T, K1993T, K2027T, K2028T, K2031T.
Identifiers: ClinVar variation 4526992 (VCV004526992.1).